The following is an entry in ClinVar:

ClinVar aggregate classification (germline): Pathogenic (1 of 4 stars; one submission).

Conditions:
Neurofibromatosis, type 1 (NF1). Also called: Neurofibromatosis, type I; VON RECKLINGHAUSEN DISEASE; NEUROFIBROMATOSIS, TYPE I, SOMATIC; Peripheral type neurofibromatosis. Identifiers: Orphanet 636, MedGen C0027831, MONDO:0018975, OMIM 162200. Disease mechanism: loss of function.

Submission:

Labcorp Genetics (formerly Invitae), Labcorp
Classification: Pathogenic for Neurofibromatosis, type 1. Last evaluated: 2021-05-16. Review status: criteria provided, single submitter. Criteria: Invitae Variant Classification Sherloc (09022015). Collection method: clinical testing. Allele origin: germline.
Comment: For these reasons, this variant has been classified as Pathogenic. Sub-genic deletion of exons 9-12, 40-45, 36-56 and 32-57 have been determined to be pathogenic (PMID:¬†26189818, 18196300,¬†Invitae). Therefore, deletions that fully encompass that region are also expected to be pathogenic. A similar deletion of exons 5-57 has been reported in an individual affected with neurofibromatosis type I (PMID:¬†26189818). This variant is a gross deletion of the genomic region encompassing exons 5-57 of the NF1 gene. The 5' boundary is likely confined to intron 5. The 3' end of this event is unknown as it extends through the termination codon beyond the assayed region for this gene and may encompass additional genes. While this deletion is not anticipated to result in nonsense mediated decay, it is expected to create a truncated protein product or disrupt mRNA translation.

NC_000017.10:g.(?_29496899)_(29701173_?)del

Genes: EVI2A (ecotropic viral integration site 2A; minus strand), EVI2B (ecotropic viral integration site 2B; minus strand), NF1 (neurofibromin 1; plus strand), OMG (oligodendrocyte myelin glycoprotein; minus strand). Cytogenetic location: 17q11.2.
Variant type: Deletion.
Identifiers: ClinVar variation 1458077 (VCV001458077.6).